The following is an entry in ClinVar:

ClinVar aggregate classification (germline): Uncertain significance (1 of 4 stars; one submission).

Conditions:
Cardiovascular phenotype. Identifiers: MedGen CN230736.

Submission:

Ambry Genetics
Classification: Uncertain significance for Cardiovascular phenotype. Last evaluated: 2025-11-04. Review status: criteria provided, single submitter. Criteria: Ambry Variant Classification Scheme 2023. Collection method: clinical testing. Allele origin: germline.
Comment: The p.A232T variant (also known as c.694G>A), located in coding exon 5 of the LAMA4 gene, results from a G to A substitution at nucleotide position 694. The alanine at codon 232 is replaced by threonine, an amino acid with similar properties. This amino acid position is highly conserved in available vertebrate species. In addition, the in silico prediction for this alteration is inconclusive. The evidence for this gene-disease relationship is limited; therefore, the clinical significance of this alteration is unclear.

NM_001105206.3(LAMA4):c.694G>A (p.Ala232Thr)

Gene: LAMA4 (laminin subunit alpha 4; minus strand). Cytogenetic location: 6q21.
Variant type: single nucleotide variant.
Coding change: c.694G>A on transcript NM_001105206.3 (MANE Select); coding-DNA position 694, G replaced by A.
Protein change: p.Ala232Thr; replaces alanine 232 with threonine.
Molecular consequence: missense variant.
Genome position (GRCh38, 1-based): chr6:112,191,660, C>T on the plus strand (G>A on the coding strand, the complement: LAMA4 is on the minus strand). VCF-style: chr6-112191660-C-T. GRCh37 (hg19) VCF-style: chr6-112512862-C-T.
Other names: c.694G>A, p.Ala232Thr (NM_001105207.3, NM_002290.5); short protein forms A232T.
Identifiers: ClinVar variation 4614447 (VCV004614447.1).
Genomic context (GRCh38, chr6:112,191,660, plus strand): 5'-GGCCAGGCAGCTGGCTTAGTATTTATGATACTGCACCTGCACAGTTCTTGGCTATCCTGG[C>T]GTCCCCATAGTAGCCAGGAGCGCAACGTTCACACTTGAATCCGGTGGTGTTGCGTAAGCA-3'
Protein context (NP_001098676.2, residues 222-242): ERCAPGYYGD[Ala232Thr]RIAKNCAVCN